The following is an entry in ClinVar:

NM_003640.5(ELP1):c.2657dup (p.Asp886fs)

Gene: ELP1 (elongator acetyltransferase complex subunit 1; minus strand). Cytogenetic location: 9q31.3.
Variant type: Duplication.
Coding change: c.2657dup on transcript NM_003640.5 (MANE Select); coding-DNA position 2657, one base duplicated (A; older notation c.2657dupA).
Protein change: p.Asp886fs; shifts the reading frame from aspartic acid 886.
Molecular consequence: frameshift variant.
Genome position (GRCh38, 1-based): chr9:108,896,575, T duplicated on the plus strand (A on the coding strand, the reverse complement: ELP1 is on the minus strand). VCF-style (leftmost placement, unchanged base first): chr9-108896574-A-AT. GRCh37 (hg19) VCF-style: chr9-111658854-A-AT.
Other names: c.2315dup, p.Asp772fs (NM_001318360.2); c.1610dup, p.Asp537fs (NM_001330749.2); short protein forms D537fs, D772fs, D886fs.
Identifiers: ClinVar variation 2982285 (VCV002982285.3), dbSNP rs2537889159, ClinGen allele CA2695210964.

ClinVar aggregate classification (germline): Pathogenic (1 of 4 stars; one submission).

Submission:

Labcorp Genetics (formerly Invitae), Labcorp
Classification: Pathogenic. Last evaluated: 2023-02-01. Review status: criteria provided, single submitter. Criteria: Invitae Variant Classification Sherloc (09022015). Collection method: clinical testing. Allele origin: germline.
Comment: For these reasons, this variant has been classified as Pathogenic. This premature translational stop signal has been observed in individual(s) with medulloblastoma (PMID: 32296180). This variant is not present in population databases (gnomAD no frequency). This sequence change creates a premature translational stop signal (p.Asp886Glufs*3) in the ELP1 gene. It is expected to result in an absent or disrupted protein product. Loss-of-function variants in ELP1 are known to be pathogenic (PMID: 18303054, 24173031).

Literature cited by the submitters: PubMed 32296180; PubMed 18303054; PubMed 24173031.